The following is an entry in ClinVar:

NM_005612.5(REST):c.308C>G (p.Pro103Arg)

Gene: REST (RE1 silencing transcription factor; plus strand). Cytogenetic location: 4q12.
Variant type: single nucleotide variant.
Coding change: c.308C>G on transcript NM_005612.5 (MANE Select); coding-DNA position 308, C replaced by G.
Protein change: p.Pro103Arg; replaces proline 103 with arginine.
Molecular consequence: missense variant.
Genome position (GRCh38, 1-based): chr4:56,910,946, C>G. VCF-style: chr4-56910946-C-G. GRCh37 (hg19) VCF-style: chr4-57777112-C-G.
Other names: c.308C>G (NM_005612.4); c.308C>G, p.Pro103Arg (NM_001193508.2, NM_001363453.3); short protein forms P103R.
Identifiers: ClinVar variation 1407768 (VCV001407768.9), dbSNP rs751894476, ClinGen allele CA2932077.
Genomic context (GRCh38, chr4:56,910,946, plus strand): 5'-ACTTTTCAGATAGTGAAGAAGGAGAAGGACTTGAAGAGTCTGCTGATATAAAAGGTGAAC[C>G]TCATGGACTGGAAAACATGGAACTGAGAAGTTTGGAACTCAGCGTCGTAGAACCTCAGCC-3'
Protein context (NP_005603.3, residues 93-113): LEESADIKGE[Pro103Arg]HGLENMELRS

ClinVar aggregate classification (germline): Uncertain significance. Review status: criteria provided, multiple submitters, no conflicts (2 of 4 stars). 2 submissions from 2 submitters: Uncertain significance (2). Last evaluated 2025-11-05.

Conditions:
Inborn genetic diseases. Identifiers: MedGen C0950123, MeSH D030342.

Allele frequency attached by ClinVar (database versions not stated): gnomAD 0.00001; ExAC 0.00002; TOPMed 0.00002; gnomAD exomes 0.00003.
gnomAD v4.1: 12 of 1,613,994 alleles (0.00074%); highest among the groups gnomAD compares: East Asian, 0.025%; no homozygotes.

Submissions (2):

Ambry Genetics
Classification: Uncertain significance for Inborn genetic diseases. Last evaluated: 2025-11-05. Review status: criteria provided, single submitter. Criteria: Ambry Variant Classification Scheme 2023. Collection method: clinical testing. Allele origin: germline.

Labcorp Genetics (formerly Invitae), Labcorp
Classification: Uncertain significance. Last evaluated: 2025-04-07. Review status: criteria provided, single submitter. Criteria: Invitae Variant Classification Sherloc (09022015). Collection method: clinical testing. Allele origin: germline.
Comment: This sequence change replaces proline, which is neutral and non-polar, with arginine, which is basic and polar, at codon 103 of the REST protein (p.Pro103Arg). This variant is present in population databases (rs751894476, gnomAD 0.04%). This variant has not been reported in the literature in individuals affected with REST-related conditions. ClinVar contains an entry for this variant (Variation ID: 1407768). An algorithm developed to predict the effect of missense changes on protein structure and function (PolyPhen-2) suggests that this variant is likely to be disruptive. In summary, the available evidence is currently insufficient to determine the role of this variant in disease. Therefore, it has been classified as a Variant of Uncertain Significance.